The following is an entry in ClinVar:

ClinVar aggregate classification (germline): Conflicting classifications of pathogenicity. Review status: criteria provided, conflicting classifications (1 of 4 stars). 2 submissions from 1 submitter: Uncertain significance (1); Likely benign (1). Last evaluated 2018-01-13.

Conditions:
Jervell and Lange-Nielsen syndrome 2 (JLNS2). Identifiers: Orphanet 768, Orphanet 90647, MedGen C2676723, MONDO:0012871, OMIM 612347.
Long QT syndrome 5 (LQT5). Identifiers: Orphanet 101016, Orphanet 768, MedGen C1867904, MONDO:0013372, OMIM 613695.

Allele frequency attached by ClinVar (database versions not stated): gnomAD below 0.00001; 1000 Genomes Project 0.00140; 1000 Genomes Project 30x 0.00250.

Submissions (2):

Illumina Laboratory Services, Illumina
Classification: Uncertain significance for Jervell and Lange-Nielsen syndrome 2. Last evaluated: 2018-01-13. Review status: criteria provided, single submitter. Criteria: ICSL Variant Classification Criteria 13 December 2019. Collection method: clinical testing. Allele origin: germline.

Illumina Laboratory Services, Illumina
Classification: Likely benign for Long QT syndrome 5. Last evaluated: 2018-01-13. Review status: criteria provided, single submitter. Criteria: ICSL Variant Classification Criteria 13 December 2019. Collection method: clinical testing. Allele origin: germline.
Comment: This variant was observed in the ICSL laboratory as part of a predisposition screen in an ostensibly healthy population. It had not been previously curated by ICSL or reported in the Human Gene Mutation Database (HGMD: prior to June 1st, 2018), and was therefore a candidate for classification through an automated scoring system. Utilizing variant allele frequency, disease prevalence and penetrance estimates, and inheritance mode, an automated score was calculated to assess if this variant is too frequent to cause the disease. Based on the score and internal cut-off values, a variant classified as likely benign is not then subjected to further curation. The score for this variant resulted in a classification of likely benign for this disease.

NM_000219.6(KCNE1):c.*553A>G

Gene: KCNE1 (potassium voltage-gated channel subfamily E regulatory subunit 1; minus strand). Cytogenetic location: 21q22.12.
Variant type: single nucleotide variant.
Coding change: c.*553A>G on transcript NM_000219.6 (MANE Select); 553 bases downstream of the stop codon, A replaced by G.
Molecular consequence: 3 prime UTR variant.
Genome position (GRCh38, 1-based): chr21:34,448,692, T>C on the plus strand (A>G on the coding strand, the complement: KCNE1 is on the minus strand). VCF-style: chr21-34448692-T-C. GRCh37 (hg19) VCF-style: chr21-35820990-T-C.
Other names: c.*553A>G (NM_001127668.4, NM_001127669.4, NM_001127670.4 and 4 more transcripts).
Identifiers: ClinVar variation 339760 (VCV000339760.6), dbSNP rs570907779, ClinGen allele CA10650389.
Genomic context (GRCh38, chr21:34,448,692, plus strand): 5'-GTAAGGGCATTGATTCTGCGACCTTAACAGAGATCAGAATAACAGTGGCTTAAGGAAGAG[T>C]GGAGTGGATTTCTCTCTCCTGTAAATCTGGCCTGGTGGGTGGTAAGGAGGATCCACGTCG-3'